The following is an entry in ClinVar:

ClinVar aggregate classification (germline): Benign (1 of 4 stars; one submission).

Submission:

GeneDx
Classification: Benign. Last evaluated: 2018-06-14. Review status: criteria provided, single submitter. Criteria: GeneDx Variant Classification (06012015). Collection method: clinical testing. Allele origin: germline. Affected: yes.
Comment: This variant is considered likely benign or benign based on one or more of the following criteria: it is a conservative change, it occurs at a poorly conserved position in the protein, it is predicted to be benign by multiple in silico algorithms, and/or has population frequency not consistent with disease.

NM_000089.4(COL1A2):c.3712-297del

Gene: COL1A2 (collagen type I alpha 2 chain; plus strand). Cytogenetic location: 7q21.3.
Variant type: Deletion.
Coding change: c.3712-297del on transcript NM_000089.4 (MANE Select); 297 bases into the intron before coding-DNA position 3712, one base deleted (A; older notation c.3712-297delA).
Molecular consequence: intron variant.
Genome position (GRCh38, 1-based): chr7:94,428,891, A deleted; the last of 2 consecutive A bases (chr7:94,428,890-94,428,891); deleting either gives the same sequence. VCF-style (leftmost placement, unchanged base first): chr7-94428889-GA-G. GRCh37 (hg19) VCF-style: chr7-94058201-GA-G.
Identifiers: ClinVar variation 669645 (VCV000669645.1), dbSNP rs140210036, ClinGen allele CA162941902.